The following is an entry in ClinVar:

NM_015202.5(KATNIP):c.1971C>T (p.Leu657=)

Gene: KATNIP (katanin interacting protein; plus strand). Cytogenetic location: 16p12.1.
Variant type: single nucleotide variant.
Coding change: c.1971C>T on transcript NM_015202.5 (MANE Select); coding-DNA position 1971, C replaced by T.
Protein change: p.Leu657=; no amino-acid change (leucine 657 retained).
Molecular consequence: synonymous variant.
Genome position (GRCh38, 1-based): chr16:27,740,268, C>T. VCF-style: chr16-27740268-C-T. GRCh37 (hg19) VCF-style: chr16-27751589-C-T.
Identifiers: ClinVar variation 2169032 (VCV002169032.18), dbSNP rs533625540, ClinGen allele CA7977866.

ClinVar aggregate classification (germline): Likely benign. Review status: criteria provided, multiple submitters, no conflicts (2 of 4 stars). 3 submissions from 3 submitters: Likely benign (3). Last evaluated 2026-04-01.

Allele frequency attached by ClinVar (database versions not stated): TOPMed 0.00006; gnomAD 0.00011; gnomAD exomes 0.00012; ExAC 0.00016.
gnomAD v4.1: 196 of 1,614,120 alleles (0.012%); highest among the groups gnomAD compares: Middle Eastern, 0.016%; no homozygotes.

Submissions (3):

CeGaT Center for Human Genetics Tuebingen
Classification: Likely benign. Last evaluated: 2026-04-01. Review status: criteria provided, single submitter. Criteria: CeGaT Center For Human Genetics Tuebingen Variant Classification Criteria Version 2. Collection method: clinical testing. Allele origin: germline. Affected: yes. Observed: 6 variant alleles.
Comment: KATNIP: BP4, BP7

Labcorp Genetics (formerly Invitae), Labcorp
Classification: Likely benign. Last evaluated: 2025-11-26. Review status: criteria provided, single submitter. Criteria: Invitae Variant Classification Sherloc (09022015). Collection method: clinical testing. Allele origin: germline.

Blueprint Genetics
Classification: Likely benign. Last evaluated: 2024-10-24. Review status: criteria provided, single submitter. Criteria: ACMG Guidelines, 2015. Collection method: clinical testing. Allele origin: germline.